The following is an entry in ClinVar:

NM_144999.4(LRRC45):c.1569C>A (p.Cys523Ter)

Gene: LRRC45 (leucine rich repeat containing 45; plus strand). Cytogenetic location: 17q25.3.
Variant type: single nucleotide variant.
Coding change: c.1569C>A on transcript NM_144999.4 (MANE Select); coding-DNA position 1569, C replaced by A.
Protein change: p.Cys523Ter; replaces cysteine 523 with a stop codon.
Molecular consequence: nonsense.
Genome position (GRCh38, 1-based): chr17:82,030,139, C>A. VCF-style: chr17-82030139-C-A. GRCh37 (hg19) VCF-style: chr17-79988015-C-A.
Other names: short protein forms C523*.
Identifiers: ClinVar variation 3344662 (VCV003344662.1).

ClinVar aggregate classification (germline): Uncertain significance (0 of 4 stars; one submission).

Conditions:
LRRC45-related disorder. Also called: LRRC45-related condition.

gnomAD v4.1: 1 of 1,548,128 alleles (0.000065%); highest among the groups gnomAD compares: Non-Finnish European, 0.000087%; no homozygotes.

Submission:

PreventionGenetics, part of Exact Sciences
Classification: Uncertain significance for LRRC45-related condition. Last evaluated: 2024-09-06. Review status: no assertion criteria provided. Collection method: clinical testing. Allele origin: germline.
Comment: The LRRC45 c.1569C>A variant is predicted to result in premature protein termination (p.Cys523*). To our knowledge, this variant has not been reported in the literature or in a large population database, indicating this variant is rare. At this time, the clinical significance of this variant is uncertain due to the absence of conclusive functional and genetic evidence.